The following is an entry in ClinVar:

ClinVar aggregate classification (germline): Uncertain significance (1 of 4 stars; one submission).

Allele frequency attached by ClinVar (database versions not stated): gnomAD exomes below 0.00001.

Submission:

Labcorp Genetics (formerly Invitae), Labcorp
Classification: Uncertain significance. Last evaluated: 2022-01-07. Review status: criteria provided, single submitter. Criteria: Invitae Variant Classification Sherloc (09022015). Collection method: clinical testing. Allele origin: germline.
Comment: Algorithms developed to predict the effect of missense changes on protein structure and function are either unavailable or do not agree on the potential impact of this missense change (SIFT: "Deleterious"; PolyPhen-2: "Benign"; Align-GVGD: "Class C0"). This variant has not been reported in the literature in individuals affected with GTPBP3-related conditions. This variant is not present in population databases (gnomAD no frequency). In summary, the available evidence is currently insufficient to determine the role of this variant in disease. Therefore, it has been classified as a Variant of Uncertain Significance. Algorithms developed to predict the effect of sequence changes on RNA splicing suggest that this variant may create or strengthen a splice site. This sequence change replaces arginine, which is basic and polar, with tryptophan, which is neutral and slightly polar, at codon 3 of the GTPBP3 protein (p.Arg3Trp).

NM_032620.4(GTPBP3):c.7C>T (p.Arg3Trp)

Gene: GTPBP3 (GTP binding protein 3, mitochondrial; plus strand). Cytogenetic location: 19p13.11.
Variant type: single nucleotide variant.
Coding change: c.7C>T on transcript NM_032620.4 (MANE Select); coding-DNA position 7, C replaced by T.
Protein change: p.Arg3Trp; replaces arginine 3 with tryptophan.
Molecular consequence: missense variant. On other transcripts: intron variant (1).
Genome position (GRCh38, 1-based): chr19:17,337,618, C>T. VCF-style: chr19-17337618-C-T. GRCh37 (hg19) VCF-style: chr19-17448427-C-T.
Other names: c.7C>T, p.Arg3Trp (NM_001128855.3, NM_133644.4); c.120-390C>T (NM_001195422.1); short protein forms R3W.
Identifiers: ClinVar variation 1917347 (VCV001917347.5), dbSNP rs2513201020, ClinGen allele CA404730338.